The following is an entry in ClinVar:

NM_003489.4(NRIP1):c.1370C>A (p.Pro457His)

Gene: NRIP1 (nuclear receptor interacting protein 1; minus strand). Cytogenetic location: 21q11.2.
Variant type: single nucleotide variant.
Coding change: c.1370C>A on transcript NM_003489.4 (MANE Select); coding-DNA position 1370, C replaced by A.
Protein change: p.Pro457His; replaces proline 457 with histidine.
Molecular consequence: missense variant.
Genome position (GRCh38, 1-based): chr21:14,966,823, G>T on the plus strand (C>A on the coding strand, the complement: NRIP1 is on the minus strand). VCF-style: chr21-14966823-G-T. GRCh37 (hg19) VCF-style: chr21-16339144-G-T.
Other names: short protein forms P457H.
Identifiers: ClinVar variation 2635686 (VCV002635686.1), dbSNP rs747047446, ClinGen allele CA9981349.

ClinVar aggregate classification (germline): Uncertain significance (1 of 4 stars; one submission).

Conditions:
NRIP1-related disorder. Also called: NRIP1-related condition.

Allele frequency attached by ClinVar (database versions not stated): ExAC 0.00001; gnomAD 0.00001; TOPMed 0.00002.
gnomAD v4.1: 11 of 1,614,004 alleles (0.00068%); highest among the groups gnomAD compares: Non-Finnish European, 0.00085%; no homozygotes.

Submission:

PreventionGenetics, part of Exact Sciences
Classification: Uncertain significance for NRIP1-related condition. Last evaluated: 2023-06-14. Review status: criteria provided, single submitter. Criteria: ACMG Guidelines, 2015. Collection method: clinical testing. Allele origin: germline.
Comment: The NRIP1 c.1370C>A variant is predicted to result in the amino acid substitution p.Pro457His. To our knowledge, this variant has not been reported in the literature. This variant is reported in 0.00088% of alleles in individuals of European (Non-Finnish) descent in gnomAD. At this time, the clinical significance of this variant is uncertain due to the absence of conclusive functional and genetic evidence.